The following is an entry in ClinVar:

NM_001355436.2(SPTB):c.5506_5507insCGTCCAGCCCTTCCACC (p.Arg1836fs)

Gene: SPTB (spectrin beta, erythrocytic; minus strand). Cytogenetic location: 14q23.3.
Variant type: Insertion.
Coding change: c.5506_5507insCGTCCAGCCCTTCCACC on transcript NM_001355436.2 (MANE Select); coding-DNA positions 5506 to 5507, CGTCCAGCCCTTCCACC inserted.
Protein change: p.Arg1836fs; shifts the reading frame from arginine 1836.
Molecular consequence: frameshift variant.
Genome position: GRCh38 VCF-style: chr14-64772626-C-CGGTGGAAGGGCTGGACG. GRCh37 (hg19) VCF-style: chr14-65239344-C-CGGTGGAAGGGCTGGACG.
Other names: c.5506_5507insCGTCCAGCCCTTCCACC, p.Arg1836fs (NM_001024858.4, NM_001355437.2); short protein forms R1836fs.
Identifiers: ClinVar variation 2687746 (VCV002687746.1), dbSNP rs2503055611, ClinGen allele CA2697553945.

ClinVar aggregate classification (germline): Pathogenic (1 of 4 stars; one submission).

Conditions:
Hereditary spherocytosis type 2. Also called: SPHEROCYTOSIS, TYPE 2, AUTOSOMAL DOMINANT. Identifiers: Orphanet 822, MedGen C2674219, MONDO:0000913, OMIM 616649.

Submission:

Institute of Human Genetics, FAU Erlangen, Friedrich-Alexander-Universität Erlangen-Nürnberg
Classification: Pathogenic for Hereditary spherocytosis type 2. Last evaluated: 2024-01-22. Review status: criteria provided, single submitter. Criteria: Hauer et al. (Genet Med. 2018). Collection method: clinical testing. Allele origin: germline. Inheritance: Unknown mechanism. Affected: yes. Observed: 1 variant allele.
Comment: This variant has been identified by standard clinical testing. Selected ACMG criteria: Pathogenic (I):PP4;PM2;PVS1